The following is an entry in ClinVar:

ClinVar aggregate classification (germline): Conflicting classifications of pathogenicity. Review status: criteria provided, conflicting classifications (1 of 4 stars). 3 submissions from 3 submitters: Likely pathogenic (1); Uncertain significance (2). Last evaluated 2026-03-17.

Conditions:
Inborn genetic diseases. Identifiers: MedGen C0950123, MeSH D030342.
Marshall-Smith syndrome (MRSHSS). Identifiers: Orphanet 561, MedGen C0265211, MONDO:0011244, OMIM 602535.
Malan overgrowth syndrome (MALNS). Also called: Sotos syndrome 2; NFIX-Related Malan Syndrome; MALAN SYNDROME. Identifiers: Orphanet 420179, MedGen C3553660, MONDO:0013885, OMIM 614753.

Submissions (3):

Ambry Genetics
Classification: Likely pathogenic for Inborn genetic diseases. Last evaluated: 2026-03-17. Review status: criteria provided, single submitter. Criteria: Ambry Variant Classification Scheme 2023. Collection method: clinical testing. Allele origin: germline.
Comment: The c.83A>G (p.Y28C) alteration is located in exon 2 (coding exon 2) of the NFIX gene. This alteration results from an A to G substitution at nucleotide position 83, causing the tyrosine (Y) at amino acid position 28 to be replaced by a cysteine (C).for Malan overgrowth syndrome; however, its clinical significance for Marshall-Smith syndrome is uncertain. This variant was not reported in population-based cohorts in the Genome Aggregation Database (gnomAD). This amino acid position is highly conserved in available vertebrate species. This missense variant is located in a region that has a low rate of benign missense variation (Lek, 2016; Firth, 2009). This alteration is predicted to be deleterious by in silico analysis. Based on the available evidence, this alteration is classified as likely pathogenic.

Labcorp Genetics (formerly Invitae), Labcorp
Classification: Uncertain significance for Malan overgrowth syndrome; Marshall-Smith syndrome. Last evaluated: 2024-07-19. Review status: criteria provided, single submitter. Criteria: Invitae Variant Classification Sherloc (09022015). Collection method: clinical testing. Allele origin: germline.
Comment: This sequence change replaces tyrosine, which is neutral and polar, with cysteine, which is neutral and slightly polar, at codon 36 of the NFIX protein (p.Tyr36Cys). This variant is not present in population databases (gnomAD no frequency). This variant has not been reported in the literature in individuals affected with NFIX-related conditions. Experimental studies and prediction algorithms are not available or were not evaluated, and the functional significance of this variant is currently unknown. In summary, the available evidence is currently insufficient to determine the role of this variant in disease. Therefore, it has been classified as a Variant of Uncertain Significance.

GeneDx
Classification: Uncertain significance. Last evaluated: 2024-05-02. Review status: criteria provided, single submitter. Criteria: GeneDx Variant Classification Process June 2021. Collection method: clinical testing. Allele origin: germline. Affected: yes.
Comment: Not observed at significant frequency in large population cohorts (gnomAD); In silico analysis supports that this missense variant has a deleterious effect on protein structure/function; Has not been previously published as pathogenic or benign to our knowledge; This variant is associated with the following publications: (PMID: 22982744)

NM_001365902.3(NFIX):c.83A>G (p.Tyr28Cys)

Gene: NFIX (nuclear factor I X; plus strand). Cytogenetic location: 19p13.13.
Variant type: single nucleotide variant.
Coding change: c.83A>G on transcript NM_001365902.3 (MANE Select); coding-DNA position 83, A replaced by G.
Protein change: p.Tyr28Cys; replaces tyrosine 28 with cysteine.
Molecular consequence: missense variant. On other transcripts: 5 prime UTR variant (1).
Genome position (GRCh38, 1-based): chr19:13,025,076, A>G. VCF-style: chr19-13025076-A-G. GRCh37 (hg19) VCF-style: chr19-13135890-A-G.
Other names: c.107A>G, p.Tyr36Cys (NM_001271043.2); c.59A>G, p.Tyr20Cys (NM_001271044.3, NM_001378404.1); c.83A>G, p.Tyr28Cys (NM_001365982.2, NM_002501.4); c.-59A>G (NM_001365983.2); c.80A>G, p.Tyr27Cys (NM_001365984.2, NM_001365985.2); c.131A>G, p.Tyr44Cys (NM_001378405.1); c.83A>G (NM_002501.2); short protein forms Y20C, Y27C, Y28C, Y36C, Y44C.
Identifiers: ClinVar variation 3375953 (VCV003375953.5).